The following is an entry in ClinVar:

NM_000321.3(RB1):c.919A>G (p.Thr307Ala)

Gene: RB1 (RB transcriptional corepressor 1; plus strand). Cytogenetic location: 13q14.2.
Variant type: single nucleotide variant.
Coding change: c.919A>G on transcript NM_000321.3 (MANE Select); coding-DNA position 919, A replaced by G.
Protein change: p.Thr307Ala; replaces threonine 307 with alanine.
Molecular consequence: missense variant.
Genome position (GRCh38, 1-based): chr13:48,364,951, A>G. VCF-style: chr13-48364951-A-G. GRCh37 (hg19) VCF-style: chr13-48939087-A-G.
Other names: c.919A>G, p.Thr307Ala (NM_001407165.1, NM_001407166.1); short protein forms T307A.
Identifiers: ClinVar variation 3666050 (VCV003666050.2).

ClinVar aggregate classification (germline): Uncertain significance (1 of 4 stars; one submission).

Conditions:
Retinoblastoma (RB1). Also called: RETINOBLASTOMA, SOMATIC. Identifiers: Orphanet 790, MedGen C0035335, MeSH D012175, MONDO:0008380, OMIM 180200, HP:0009919. Disease mechanism: loss of function. Inheritance: Both sporadic and heritable forms are tested..

Submission:

Labcorp Genetics (formerly Invitae), Labcorp
Classification: Uncertain significance for Retinoblastoma. Last evaluated: 2024-12-04. Review status: criteria provided, single submitter. Criteria: Invitae Variant Classification Sherloc (09022015). Collection method: clinical testing. Allele origin: germline.
Comment: This sequence change replaces threonine, which is neutral and polar, with alanine, which is neutral and non-polar, at codon 307 of the RB1 protein (p.Thr307Ala). This variant is not present in population databases (gnomAD no frequency). This variant has not been reported in the literature in individuals affected with RB1-related conditions. Invitae Evidence Modeling of protein sequence and biophysical properties (such as structural, functional, and spatial information, amino acid conservation, physicochemical variation, residue mobility, and thermodynamic stability) indicates that this missense variant is not expected to disrupt RB1 protein function with a negative predictive value of 80%. In summary, the available evidence is currently insufficient to determine the role of this variant in disease. Therefore, it has been classified as a Variant of Uncertain Significance.